The following is an entry in ClinVar:

ClinVar aggregate classification (somatic clinical impact): Tier II - Potential (1 of 4 stars; one submission).

Conditions:
oligodendroglioma, 1p 19q codeleted.

Submission:

Institute for Genomic Medicine (IGM) Clinical Laboratory, Nationwide Children's Hospital
Classification: Tier II - Potential for oligodendroglioma, 1p 19q codeleted. Assertion type: diagnostic. Clinical significance: supports diagnosis. Last evaluated: 2024-10-23. Review status: criteria provided, single submitter. Criteria: AMP/ASCO/CAP Guidelines, 2017. Collection method: clinical testing. Allele origin: somatic. Affected: yes.
Comment: Variant has Tier II (potential) clinical significance as a diagnostic inclusion criterion in oligodendroglioma, 1p 19q codeleted, based on the following evidence: 1) Documented in one or more cancer databases (e.g., St. Jude Pecan, COSMIC, CIViC, OncoKB). 2) Information in the literature supports potential biologic effect of variant (PMID: 20713702). 3) Diagnostic significance based on multiple small studies (Evidence Level C; PMIDs: 26061751, 26061753).

Literature cited by the submitters: PubMed 20713702; PubMed 26061751; PubMed 26061753.

NM_181523.3(PIK3R1):c.1721_1744del (p.Arg574_Leu581del)

Gene: PIK3R1 (phosphoinositide-3-kinase regulatory subunit 1; plus strand). Cytogenetic location: 5q13.1.
Variant type: Deletion.
Coding change: c.1721_1744del on transcript NM_181523.3 (MANE Select); coding-DNA positions 1721 to 1744, 24 bases deleted (GAAAGACGAGAGACCAATACTTGA).
Protein change: p.Arg574_Leu581del.
Genome position (GRCh38, 1-based): chr5:68,295,300-68,295,323, GAAAGACGAGAGACCAATACTTGA deleted; deleting any 24 consecutive bases within chr5:68,295,297-68,295,323 gives the same sequence; the c. name uses the placement nearest the transcript's 3' end. VCF-style (leftmost placement, unchanged base first): chr5-68295296-CTGAGAAAGACGAGAGACCAATACT-C. GRCh37 (hg19) VCF-style: chr5-67591124-CTGAGAAAGACGAGAGACCAATACT-C.
Other names: c.632_655del, p.Arg211_Leu218del (NM_001242466.2); c.911_934del, p.Arg304_Leu311del (NM_181504.4); c.821_844del, p.Arg274_Leu281del (NM_181524.2).
Identifiers: ClinVar variation 4530385 (VCV004530385.1).